The following is an entry in ClinVar:

NM_022835.3(PLEKHG2):c.610C>T (p.Arg204Trp)

Gene: PLEKHG2 (pleckstrin homology and RhoGEF domain containing G2; plus strand). Cytogenetic location: 19q13.2.
Variant type: single nucleotide variant.
Coding change: c.610C>T on transcript NM_022835.3 (MANE Select); coding-DNA position 610, C replaced by T.
Protein change: p.Arg204Trp; replaces arginine 204 with tryptophan.
Molecular consequence: missense variant.
Genome position (GRCh38, 1-based): chr19:39,416,866, C>T. VCF-style: chr19-39416866-C-T. GRCh37 (hg19) VCF-style: chr19-39907506-C-T.
Other names: PLEKHG2, ARG204TRP (rs201201843); c.433C>T, p.Arg145Trp (NM_001351693.2); c.610C>T, p.Arg204Trp (NM_001351694.2); short protein forms R204W, R145W.
Identifiers: ClinVar variation 522394 (VCV000522394.22), dbSNP rs201201843, ClinGen allele CA9429190.

ClinVar aggregate classification (germline): Conflicting classifications of pathogenicity. Review status: criteria provided, conflicting classifications (1 of 4 stars). 10 submissions from 10 submitters: Pathogenic (3); Likely pathogenic (5); Uncertain significance (1). 1 of the submissions does not count toward it. Last evaluated 2025-11-26.

Conditions:
PLEKHG2-related disorder. Also called: PLEKHG2-related condition.
Leukodystrophy and acquired microcephaly with or without dystonia;. Also called: Leukodystrophy and acquired microcephaly with or without dystonia. Identifiers: MedGen C4225213, MONDO:0014766, OMIM 616763.

Allele frequency attached by ClinVar (database versions not stated): ESP Exome Variant Server 0.00008; gnomAD exomes 0.00019 and 0.00036; ExAC 0.00020; TOPMed 0.00020; gnomAD 0.00038 and 0.00039.
gnomAD v4.1: 358 of 1,608,326 alleles (0.022%); highest among the groups gnomAD compares: East Asian, 0.21%; 2 homozygotes.

Submissions (10):

Labcorp Genetics (formerly Invitae), Labcorp
Classification: Likely pathogenic. Last evaluated: 2025-11-26. Review status: criteria provided, single submitter. Criteria: Invitae Variant Classification Sherloc (09022015). Collection method: clinical testing. Allele origin: germline.
Comment: This sequence change replaces arginine, which is basic and polar, with tryptophan, which is neutral and slightly polar, at codon 204 of the PLEKHG2 protein (p.Arg204Trp). This variant is present in population databases (rs201201843, gnomAD 0.1%). This missense change has been observed in individuals with acquired microcephaly with or without dystonia (PMID: 26573021). It has also been observed to segregate with disease in related individuals. ClinVar contains an entry for this variant (Variation ID: 522394). An algorithm developed to predict the effect of missense changes on protein structure and function (PolyPhen-2) suggests that this variant is likely to be disruptive. Experimental studies have shown that this missense change affects PLEKHG2 function (PMID: 26573021, 35203342). In summary, the currently available evidence indicates that the variant is pathogenic, but additional data are needed to prove that conclusively. Therefore, this variant has been classified as Likely Pathogenic.

3billion
Classification: Pathogenic for Leukodystrophy and acquired microcephaly with or without dystonia;. Last evaluated: 2025-07-21. Review status: criteria provided, single submitter. Criteria: ACMG Guidelines, 2015. Collection method: clinical testing. Allele origin: germline. Affected: yes.
Comment: The variant is observed at an extremely low frequency in the gnomAD v4.1.0 dataset (total allele frequency: 0.022%). Predicted Consequence/Location: Missense variant Functional studies provide strong evidence of the variant having a damaging effect on the gene or gene product (PMID: 26573021). In silico tool predictions suggest damaging effect of the variant on gene or gene product [REVEL: 0.34 (>=0.6, sensitivity 0.68 and specificity 0.92); 3Cnet: 0.98 (> 0.75, sensitivity 0.96 and precision 0.92)]. The same nucleotide change resulting in the same amino acid change has been previously reported as pathogenic/likely pathogenic with strong evidence (ClinVar ID: VCV000522394 /PMID: 26573021). The variant has been reported to be in trans with a pathogenic variant as either compound heterozygous or homozygous in at least one similarly affected unrelated individual (PMID: 26573021). Therefore, this variant is classified as Pathogenic according to the recommendation of ACMG/AMP guideline.

Intergen Genetics and Rare Diseases Diagnosis Center
Classification: Pathogenic for Leukodystrophy and acquired microcephaly with or without dystonia;. Last evaluated: 2023-08-31. Review status: criteria provided, single submitter. Criteria: ACMG Guidelines, 2015. Collection method: clinical testing. Allele origin: unknown. Inheritance: Autosomal recessive inheritance. Affected: no. Observed: 1 heterozygote.

Women's Health and Genetics/Laboratory Corporation of America, LabCorp
Classification: Likely pathogenic for Leukodystrophy and acquired microcephaly with or without dystonia;. Last evaluated: 2023-06-27. Review status: criteria provided, single submitter. Criteria: LabCorp Variant Classification Summary - May 2015. Collection method: clinical testing. Allele origin: germline.
Comment: Variant summary: PLEKHG2 c.610C>T (p.Arg204Trp) results in a non-conservative amino acid change located in the Dbl homology (DH) domain (IPR000219) of the encoded protein sequence. Five of five in-silico tools predict a damaging effect of the variant on protein function. The variant allele was found at a frequency of 0.00036 in 241264 control chromosomes (gnomAD). c.610C>T has been reported in the literature in two unrelated consanguineous families (in homozygous state) affected with Microcephaly-dystonia (example: Edvardson_2016). These data indicate that the variant is likely to be associated with disease. Experimental evidence evaluating an impact on protein function suggests this variant can impair normal protein function (example: Edvardson_2016). The following publication has been ascertained in the context of this evaluation (PMID: 26573021). Two submitters have cited clinical-significance assessments for this variant to ClinVar after 2014 and classified the variant as likely pathogenic. Based on the evidence outlined above, the variant was classified as likely pathogenic.

PreventionGenetics, part of Exact Sciences
Classification: Likely pathogenic for PLEKHG2-related condition. Last evaluated: 2023-04-20. Review status: criteria provided, single submitter. Criteria: ACMG Guidelines, 2015. Collection method: clinical testing. Allele origin: germline.
Comment: The PLEKHG2 c.610C>T variant is predicted to result in the amino acid substitution p.Arg204Trp. This variant has been reported in the homozygous state in multiple individuals among two families with profound intellectual disability, dystonia, postnatal microcephaly, and distinct neuroimaging profiles (Edvardson et al. 2016. PubMed ID: 26573021). This variant is reported in 0.15% of alleles in individuals of European (Finnish) descent in gnomAD. This variant is interpreted as likely pathogenic.

Yong Wu Laboratory, Medical Research Institute, Shenzhen Baoan Women’s and Children’s Hospital
Classification: Pathogenic for Leukodystrophy and acquired microcephaly with or without dystonia;. Last evaluated: 2023-02-03. Review status: criteria provided, single submitter. Criteria: ACMG Guidelines, 2015. Collection method: clinical testing. Allele origin: paternal. Affected: yes.

GeneDx
Classification: Uncertain significance. Last evaluated: 2022-09-30. Review status: criteria provided, single submitter. Criteria: GeneDx Variant Classification Process June 2021. Collection method: clinical testing. Allele origin: germline. Affected: yes.
Comment: Published functional studies suggest R204W impairs catalytic activity and causes defects in dendritic spine morphology formation (Edvardson et al., 2016; Nishikawa et al., 2022); Reported in multiple individuals from two unrelated families with severe developmental delay, postnatal microcephaly, hypotonia, leukodystrophy, variable presence of dystonia, and seizures (Edvardson et al., 2016); In silico analysis supports that this missense variant has a deleterious effect on protein structure/function; Variants in candidate genes are classified as variants of uncertain significance in accordance with ACMG guidelines (Richards et al., 2015); This variant is associated with the following publications: (PMID: 34426522, 35203342, 26573021)

Genetics and Molecular Pathology, SA Pathology
Classification: Likely pathogenic for Leukodystrophy and acquired microcephaly with or without dystonia;. Last evaluated: 2020-08-12. Review status: criteria provided, single submitter. Criteria: ACMG Guidelines, 2015. Collection method: clinical testing. Allele origin: germline. Inheritance: Autosomal recessive inheritance. Affected: yes.
Comment: The PLEKHG2 c.610C>T missense variant is classified as Likely Pathogenic (PP1_moderate, PS3_moderate, PS4_moderate) The PLEKHG2 c.610C>T missense variant is a single nucleotide change in exon 7 of the PLEKHG2 gene, which is predicted to change the amino acid arginine at position 204 in the protein to tryptophan. This variant has been reported in a homozygous state in five patients with profound mental retardation, dystonia, postnatal microcephaly, and common brain MRI findings, from two unrelated consanguinous families (PS4_moderate). This variant cosegregated with disease and heterozyous carriers of this variant were unaffected (PMID:26573021) (PP1_moderate). Functional studies demonstrate decreased basal and stimulated RhoGEF activity of the R204 mutant compared with wildtype in luciferase assays, suggesting the R204 variant impairs the ability of the PLEKHG2 catalytic domain to form an active conformation (PMID:26573021) (PS3_moderate). This variant has been reported in dbSNP (rs20101843) and has been reported in population databases (gnomAD = 0.035%, 96 of 272616 sequenced alleles, no homozygotes). This variant has been reported in ClinVar as pathogenic for Leukodystrophy and aquired microcephaly with or without dystonia (Variation ID: VCV000522394.1). It has also been reported as damaging in HGMD for mental retardation, dystonia and postnatal microcephaly (CM1617668). Computational predictions are equivocal.

Juno Genomics, Hangzhou Juno Genomics, Inc
Classification: Likely pathogenic for Leukodystrophy and acquired microcephaly with or without dystonia;. Review status: criteria provided, single submitter. Criteria: ACMG Guidelines, 2015. Collection method: clinical testing. Allele origin: germline.
Comment: For recessive disorders, detected in trans with a pathogenic variant.;Patient's phenotype or family history is highly specific for a disease with a single genetic etiology.;Co-segregation with disease in multiple affected family members.;Well-established in vitro or in vivo functional studies supportive of a damaging effect on the gene or gene product.

OMIM
Classification: Pathogenic for LEUKODYSTROPHY AND ACQUIRED MICROCEPHALY WITH OR WITHOUT DYSTONIA. Last evaluated: 2024-09-30. Review status: no assertion criteria provided. Collection method: literature only. Allele origin: germline. Not counted in ClinVar's aggregate classification.

Literature cited by the submitters: PubMed 26573021 (cited by 5 submitters); PubMed 35203342 (cited by Labcorp Genetics (formerly Invitae), Labcorp and OMIM).